The following is an entry in ClinVar:

NM_000395.3(CSF2RB):c.1191G>C (p.Met397Ile)

Gene: CSF2RB (colony stimulating factor 2 receptor subunit beta; plus strand). Cytogenetic location: 22q12.3.
Variant type: single nucleotide variant.
Coding change: c.1191G>C on transcript NM_000395.3 (MANE Select); coding-DNA position 1191, G replaced by C.
Protein change: p.Met397Ile; replaces methionine 397 with isoleucine.
Molecular consequence: missense variant.
Genome position (GRCh38, 1-based): chr22:36,933,870, G>C. VCF-style: chr22-36933870-G-C. GRCh37 (hg19) VCF-style: chr22-37329912-G-C.
Other names: c.1209G>C, p.Met403Ile (NM_001410827.1); short protein forms M403I, M397I.
Identifiers: ClinVar variation 4743154 (VCV004743154.1).
Genomic context (GRCh38, chr22:36,933,870, plus strand): 5'-CACCCTCAGTGCCAACCCACAGGACAGCAAGACCGAGACCCTCCAGAACGCCCACAGCAT[G>C]GCCCTGCCAGCCCTGGAGCCCTCCACCAGGTACTGGGCCAGGGTGAGGGTCAGGACCTCC-3'
Protein context (NP_000386.1, residues 387-407): KTETLQNAHS[Met397Ile]ALPALEPSTR

ClinVar aggregate classification (germline): Uncertain significance (1 of 4 stars; one submission).

Submission:

Labcorp Genetics (formerly Invitae), Labcorp
Classification: Uncertain significance. Last evaluated: 2025-06-19. Review status: criteria provided, single submitter. Criteria: Invitae Variant Classification Sherloc (09022015). Collection method: clinical testing. Allele origin: germline.
Comment: This sequence change replaces methionine, which is neutral and non-polar, with isoleucine, which is neutral and non-polar, at codon 397 of the CSF2RB protein (p.Met397Ile). This variant is not present in population databases (gnomAD no frequency). This variant has not been reported in the literature in individuals affected with CSF2RB-related conditions. Invitae Evidence Modeling of protein sequence and biophysical properties (such as structural, functional, and spatial information, amino acid conservation, physicochemical variation, residue mobility, and thermodynamic stability) indicates that this missense variant is not expected to disrupt CSF2RB protein function with a negative predictive value of 80%. In summary, the available evidence is currently insufficient to determine the role of this variant in disease. Therefore, it has been classified as a Variant of Uncertain Significance.